The following is an entry in ClinVar:

NM_001177316.2(SLC34A3):c.304+5G>A

Gene: SLC34A3 (solute carrier family 34 member 3; plus strand). Cytogenetic location: 9q34.3.
Variant type: single nucleotide variant.
Coding change: c.304+5G>A on transcript NM_001177316.2 (MANE Select); 5 bases into the intron after coding-DNA position 304, G replaced by A.
Molecular consequence: intron variant.
Genome position (GRCh38, 1-based): chr9:137,232,708, G>A. VCF-style: chr9-137232708-G-A. GRCh37 (hg19) VCF-style: chr9-140127160-G-A.
Other names: c.304+5G>A (NM_001177317.2, NM_080877.3).
Identifiers: ClinVar variation 1484645 (VCV001484645.6), dbSNP rs2131405851, ClinGen allele CA2573144327.

ClinVar aggregate classification (germline): Uncertain significance (1 of 4 stars; one submission).

Submission:

Labcorp Genetics (formerly Invitae), Labcorp
Classification: Uncertain significance. Last evaluated: 2021-01-04. Review status: criteria provided, single submitter. Criteria: Invitae Variant Classification Sherloc (09022015). Collection method: clinical testing. Allele origin: germline.
Comment: In summary, the available evidence is currently insufficient to determine the role of this variant in disease. Therefore, it has been classified as a Variant of Uncertain Significance. Nucleotide substitutions within the consensus splice site are a relatively common cause of aberrant splicing (PMID: 17576681, 9536098). Algorithms developed to predict the effect of sequence changes on RNA splicing suggest that this variant may disrupt the consensus splice site, but this prediction has not been confirmed by published transcriptional studies. This variant has not been reported in the literature in individuals with SLC34A3-related conditions. This variant is not present in population databases (ExAC no frequency). This sequence change falls in intron 4 of the SLC34A3 gene. It does not directly change the encoded amino acid sequence of the SLC34A3 protein. It affects a nucleotide within the consensus splice site of the intron.

Literature cited by the submitters: PubMed 17576681; PubMed 9536098.